The following is an entry in ClinVar:

ClinVar aggregate classification (germline): Uncertain significance (1 of 4 stars; one submission).

Conditions:
DYRK1A-related intellectual disability syndrome (MRD7). Also called: DYRK1A Syndrome; Intellectual developmental disorder, autosomal dominant 7. Identifiers: Orphanet 464306, MedGen C5568143, MONDO:0013578, OMIM 614104.

Allele frequency attached by ClinVar (database versions not stated): TOPMed below 0.00001; ExAC 0.00002; gnomAD exomes 0.00002.
gnomAD v4.1: 11 of 1,614,248 alleles (0.00068%); highest among the groups gnomAD compares: Non-Finnish European, 0.00093%; no homozygotes.

Submission:

Labcorp Genetics (formerly Invitae), Labcorp
Classification: Uncertain significance for DYRK1A-related intellectual disability syndrome. Last evaluated: 2025-03-06. Review status: criteria provided, single submitter. Criteria: Invitae Variant Classification Sherloc (09022015). Collection method: clinical testing. Allele origin: germline.
Comment: This sequence change replaces isoleucine, which is neutral and non-polar, with valine, which is neutral and non-polar, at codon 714 of the DYRK1A protein (p.Ile714Val). This variant is present in population databases (rs554691724, gnomAD 0.005%). This variant has not been reported in the literature in individuals affected with DYRK1A-related conditions. ClinVar contains an entry for this variant (Variation ID: 1914946). Invitae Evidence Modeling of protein sequence and biophysical properties (such as structural, functional, and spatial information, amino acid conservation, physicochemical variation, residue mobility, and thermodynamic stability) indicates that this missense variant is not expected to disrupt DYRK1A protein function with a negative predictive value of 95%. In summary, the available evidence is currently insufficient to determine the role of this variant in disease. Therefore, it has been classified as a Variant of Uncertain Significance.

NM_001347721.2(DYRK1A):c.2113A>G (p.Ile705Val)

Gene: DYRK1A (dual specificity tyrosine phosphorylation regulated kinase 1A; plus strand). Cytogenetic location: 21q22.13.
Variant type: single nucleotide variant.
Coding change: c.2113A>G on transcript NM_001347721.2 (MANE Select); coding-DNA position 2113, A replaced by G.
Protein change: p.Ile705Val; replaces isoleucine 705 with valine.
Molecular consequence: missense variant. On other transcripts: 3 prime UTR variant (2).
Genome position (GRCh38, 1-based): chr21:37,512,379, A>G. VCF-style: chr21-37512379-A-G. GRCh37 (hg19) VCF-style: chr21-38884682-A-G.
Other names: c.2113A>G, p.Ile705Val (NM_001347722.2, NM_130436.2); c.2026A>G, p.Ile676Val (NM_001347723.2); c.2140A>G, p.Ile714Val (NM_001396.5); c.*516A>G (NM_101395.2); c.*425A>G (NM_130438.2); short protein forms I705V, I676V, I714V.
Identifiers: ClinVar variation 1914946 (VCV001914946.5), dbSNP rs554691724, ClinGen allele CA10024169.